The following is an entry in ClinVar:

NM_001127198.5(TMC6):c.823G>T (p.Val275Phe)

Gene: TMC6 (transmembrane channel like 6; minus strand). Cytogenetic location: 17q25.3.
Variant type: single nucleotide variant.
Coding change: c.823G>T on transcript NM_001127198.5 (MANE Select); coding-DNA position 823, G replaced by T.
Protein change: p.Val275Phe; replaces valine 275 with phenylalanine.
Molecular consequence: missense variant.
Genome position (GRCh38, 1-based): chr17:78,124,592, C>A on the plus strand (G>T on the coding strand, the complement: TMC6 is on the minus strand). VCF-style: chr17-78124592-C-A. GRCh37 (hg19) VCF-style: chr17-76120673-C-A.
Other names: c.823G>T, p.Val275Phe (NM_001321185.1, NM_001374593.1, NM_001374594.1 and 4 more transcripts); short protein forms V275F.
Identifiers: ClinVar variation 940029 (VCV000940029.9), dbSNP rs138860970, ClinGen allele CA8795996.

ClinVar aggregate classification (germline): Uncertain significance (1 of 4 stars; one submission).

Conditions:
Epidermodysplasia verruciformis. Identifiers: Orphanet 302, MedGen C0014522, MONDO:0009176.

Allele frequency attached by ClinVar (database versions not stated): TOPMed 0.00007; ExAC 0.00008; ESP Exome Variant Server 0.00008; gnomAD 0.00006; gnomAD exomes 0.00008.
gnomAD v4.1: 109 of 1,612,180 alleles (0.0068%); highest among the groups gnomAD compares: Non-Finnish European, 0.0086%; no homozygotes.

Submission:

Labcorp Genetics (formerly Invitae), Labcorp
Classification: Uncertain significance for Epidermodysplasia verruciformis. Last evaluated: 2023-07-17. Review status: criteria provided, single submitter. Criteria: Invitae Variant Classification Sherloc (09022015). Collection method: clinical testing. Allele origin: germline.
Comment: In summary, the available evidence is currently insufficient to determine the role of this variant in disease. Therefore, it has been classified as a Variant of Uncertain Significance. Algorithms developed to predict the effect of sequence changes on RNA splicing suggest that this variant may disrupt the consensus splice site. An algorithm developed to predict the effect of missense changes on protein structure and function (PolyPhen-2) suggests that this variant¬†is likely to be tolerated. ClinVar contains an entry for this variant (Variation ID: 940029). This variant has not been reported in the literature in individuals affected with TMC6-related conditions. This variant is present in population databases (rs138860970, gnomAD 0.01%). This sequence change replaces valine, which is neutral and non-polar, with phenylalanine, which is neutral and non-polar, at codon 275 of the TMC6 protein (p.Val275Phe).